The following is an entry in ClinVar:

NM_020928.2(ZSWIM6):c.2029G>A (p.Ala677Thr)

Gene: ZSWIM6 (zinc finger SWIM-type containing 6; plus strand). Cytogenetic location: 5q12.1.
Variant type: single nucleotide variant.
Coding change: c.2029G>A on transcript NM_020928.2 (MANE Select); coding-DNA position 2029, G replaced by A.
Protein change: p.Ala677Thr; replaces alanine 677 with threonine.
Molecular consequence: missense variant.
Genome position (GRCh38, 1-based): chr5:61,531,509, G>A. VCF-style: chr5-61531509-G-A. GRCh37 (hg19) VCF-style: chr5-60827336-G-A.
Other names: short protein forms A677T.
Identifiers: ClinVar variation 2810265 (VCV002810265.3), dbSNP rs2478365759, ClinGen allele CA359944430.

ClinVar aggregate classification (germline): Uncertain significance (1 of 4 stars; one submission).

Submission:

Labcorp Genetics (formerly Invitae), Labcorp
Classification: Uncertain significance. Last evaluated: 2024-10-23. Review status: criteria provided, single submitter. Criteria: Invitae Variant Classification Sherloc (09022015). Collection method: clinical testing. Allele origin: germline.
Comment: This sequence change replaces alanine, which is neutral and non-polar, with threonine, which is neutral and polar, at codon 677 of the ZSWIM6 protein (p.Ala677Thr). This variant is not present in population databases (gnomAD no frequency). This variant has not been reported in the literature in individuals affected with ZSWIM6-related conditions. Invitae Evidence Modeling of protein sequence and biophysical properties (such as structural, functional, and spatial information, amino acid conservation, physicochemical variation, residue mobility, and thermodynamic stability) indicates that this missense variant is not expected to disrupt ZSWIM6 protein function with a negative predictive value of 80%. In summary, the available evidence is currently insufficient to determine the role of this variant in disease. Therefore, it has been classified as a Variant of Uncertain Significance.